The following is an entry in ClinVar:

ClinVar aggregate classification (germline): Uncertain significance (1 of 4 stars; one submission).

Conditions:
Duchenne muscular dystrophy (DMD). Also called: MUSCULAR DYSTROPHY, PSEUDOHYPERTROPHIC PROGRESSIVE, DUCHENNE TYPE; Duchenne Muscular Dystrophy (DMD). Identifiers: Orphanet 98896, MedGen C0013264, MONDO:0010679, OMIM 310200.

Allele frequency attached by ClinVar (database versions not stated): TOPMed below 0.00001.
gnomAD v4.1: 5 of 1,211,682 alleles (0.00041%); highest among the groups gnomAD compares: South Asian, 0.0053%; no homozygotes.

Submission:

Labcorp Genetics (formerly Invitae), Labcorp
Classification: Uncertain significance for Duchenne muscular dystrophy. Last evaluated: 2024-10-04. Review status: criteria provided, single submitter. Criteria: Invitae Variant Classification Sherloc (09022015). Collection method: clinical testing. Allele origin: germline.
Comment: This sequence change replaces valine, which is neutral and non-polar, with isoleucine, which is neutral and non-polar, at codon 351 of the DMD protein (p.Val351Ile). This variant is present in population databases (no rsID available, gnomAD 0.005%). This variant has not been reported in the literature in individuals affected with DMD-related conditions. Invitae Evidence Modeling of protein sequence and biophysical properties (such as structural, functional, and spatial information, amino acid conservation, physicochemical variation, residue mobility, and thermodynamic stability) indicates that this missense variant is not expected to disrupt DMD protein function with a negative predictive value of 95%. In summary, the available evidence is currently insufficient to determine the role of this variant in disease. Therefore, it has been classified as a Variant of Uncertain Significance.

NM_004006.3(DMD):c.1051G>A (p.Val351Ile)

Gene: DMD (dystrophin; minus strand). Cytogenetic location: Xp21.1.
Variant type: single nucleotide variant.
Coding change: c.1051G>A on transcript NM_004006.3 (MANE Select); coding-DNA position 1051, G replaced by A.
Protein change: p.Val351Ile; replaces valine 351 with isoleucine.
Molecular consequence: missense variant.
Genome position (GRCh38, 1-based): chrX:32,645,062, C>T on the plus strand (G>A on the coding strand, the complement: DMD is on the minus strand). VCF-style: chrX-32645062-C-T. GRCh37 (hg19) VCF-style: chrX-32663179-C-T.
Other names: c.1027G>A, p.Val343Ile (NM_000109.4); c.1039G>A, p.Val347Ile (NM_004009.3); c.682G>A, p.Val228Ile (NM_004010.3); short protein forms V343I, V351I, V347I, V228I.
Identifiers: ClinVar variation 2741141 (VCV002741141.3), dbSNP rs1373509520, ClinGen allele CA412662070.
Genomic context (GRCh38, chrX:32,645,062, plus strand): 5'-CATTAGAAATCTCTCCTTGTGCTTGCAATGTGTCCTCAGCAGAAAGAAGCCACGATAATA[C>T]TTCTTCTAAAGCTGTTTGATAACGGTCCAGGTTTACTTCACTCTCCATCAATGAACTGCC-3'
Protein context (NP_003997.2, residues 341-361): LDRYQTALEE[Val351Ile]LSWLLSAEDT